The following is an entry in ClinVar:

NM_000170.3(GLDC):c.1931G>T (p.Cys644Phe)

Gene: GLDC (glycine decarboxylase; minus strand). Cytogenetic location: 9p24.1.
Variant type: single nucleotide variant.
Coding change: c.1931G>T on transcript NM_000170.3 (MANE Select); coding-DNA position 1931, G replaced by T.
Protein change: p.Cys644Phe; replaces cysteine 644 with phenylalanine.
Molecular consequence: missense variant.
Genome position (GRCh38, 1-based): chr9:6,558,680, C>A on the plus strand (G>T on the coding strand, the complement: GLDC is on the minus strand). VCF-style: chr9-6558680-C-A. GRCh37 (hg19) VCF-style: chr9-6558680-C-A.
Other names: short protein forms C644F.
Identifiers: ClinVar variation 56054 (VCV000056054.2), dbSNP rs386833535, ClinGen allele CA263319.
Genomic context (GRCh38, chr9:6,558,680, plus strand): 5'-TTCATGCCTGCCATGTGGGCACTTGCTGGGTTGGTCCCATGTGCTGATTTCGGAATGAGG[C>A]AAACCTACAGAATAGAAAGGAAGCAAAGAAAGAGCAAAATCATCATCAGACTATGAATAA-3'
Protein context (NP_000161.2, residues 634-654): NQKGEGHRTV[Cys644Phe]LIPKSAHGTN

ClinVar aggregate classification (germline): Likely pathogenic (0 of 4 stars; one submission).

Conditions:
Glycine encephalopathy. Also called: Nonketotic hyperglycinemia; Non-ketotic hyperglycinemia. Identifiers: Orphanet 407, MedGen C0751748, MONDO:0011612, HP:0008288.

Submission:

Juha Muilu Group; Institute for Molecular Medicine Finland (FIMM)
Classification: Likely pathogenic for Non-ketotic hyperglycinemia. Review status: no assertion criteria provided. Collection method: not provided. Allele origin: unknown.
Comment: FinDis database variant: This variant was not found or characterized by our laboratory, data were collected from public sources: see reference
ClinVar note: Converted during submission from probable-pathogenic to Likely pathogenic.